The following is an entry in ClinVar:

ClinVar aggregate classification (germline): Uncertain significance (1 of 4 stars; one submission).

Conditions:
Mucopolysaccharidosis type 6 (MPS6). Also called: MPS 6; Maroteaux Lamy syndrome; MPS VI; N-ACETYLGALACTOSAMINE-4-SULFATASE DEFICIENCY; ARSB DEFICIENCY; ARYLSULFATASE B DEFICIENCY. Identifiers: Orphanet 583, MedGen C0026709, MONDO:0009661, OMIM 253200.

Allele frequency attached by ClinVar (database versions not stated): gnomAD 0.00001; TOPMed 0.00001.
gnomAD v4.1: 3 of 1,474,284 alleles (0.0002%); highest among the groups gnomAD compares: African/African-American, 0.0014%; no homozygotes.

Submission:

Labcorp Genetics (formerly Invitae), Labcorp
Classification: Uncertain significance for Mucopolysaccharidosis type 6. Last evaluated: 2022-06-22. Review status: criteria provided, single submitter. Criteria: Invitae Variant Classification Sherloc (09022015). Collection method: clinical testing. Allele origin: germline.
Comment: In summary, the available evidence is currently insufficient to determine the role of this variant in disease. Therefore, it has been classified as a Variant of Uncertain Significance. This sequence change replaces glutamine, which is neutral and polar, with histidine, which is basic and polar, at codon 97 of the ARSB protein (p.Gln97His). This variant is present in population databases (rs774979356, gnomAD 0.01%). This variant has not been reported in the literature in individuals affected with ARSB-related conditions. Advanced modeling of protein sequence and biophysical properties (such as structural, functional, and spatial information, amino acid conservation, physicochemical variation, residue mobility, and thermodynamic stability) performed at Invitae indicates that this missense variant is expected to disrupt ARSB protein function.

NM_000046.5(ARSB):c.291G>C (p.Gln97His)

Genes: ARSB (arylsulfatase B; minus strand), LOC129994126 (ATAC-STARR-seq lymphoblastoid silent region 16127; plus strand). Cytogenetic location: 5q14.1.
Variant type: single nucleotide variant.
Coding change: c.291G>C on transcript NM_000046.5 (MANE Select); coding-DNA position 291, G replaced by C.
Protein change: p.Gln97His; replaces glutamine 97 with histidine.
Molecular consequence: missense variant.
Genome position (GRCh38, 1-based): chr5:78,984,958, C>G on the plus strand (G>C on the coding strand, the complement: ARSB is on the minus strand). VCF-style: chr5-78984958-C-G. GRCh37 (hg19) VCF-style: chr5-78280781-C-G.
Other names: c.291G>C, p.Gln97His (NM_198709.3); short protein forms Q97H.
Identifiers: ClinVar variation 2188067 (VCV002188067.4), dbSNP rs774979356, ClinGen allele CA3318314.